The following is an entry in ClinVar:

ClinVar aggregate classification (germline): Pathogenic/Likely pathogenic. Review status: criteria provided, multiple submitters, no conflicts (2 of 4 stars). 4 submissions from 4 submitters: Pathogenic (1); Likely pathogenic (3). Last evaluated 2025-10-10.

Conditions:
Cardiovascular phenotype. Identifiers: MedGen CN230736.
Dilated cardiomyopathy 1G (CMD1G). Identifiers: Orphanet 154, MedGen C1858763, MONDO:0011400, OMIM 604145.
Autosomal recessive limb-girdle muscular dystrophy type 2J (LGMDR10). Also called: MUSCULAR DYSTROPHY, LIMB-GIRDLE, AUTOSOMAL RECESSIVE 10; Limb-girdle muscular dystrophy, type 2J. Identifiers: Orphanet 140922, MedGen C1837342, MONDO:0012127, OMIM 608807.

Submissions (4):

Ambry Genetics
Classification: Likely pathogenic for Cardiovascular phenotype. Last evaluated: 2025-10-10. Review status: criteria provided, single submitter. Criteria: Ambry Variant Classification Scheme 2023. Collection method: clinical testing. Allele origin: germline.
Comment: The c.73903delGinsCT variant, located in coding exon 185 of the TTN gene, results from the deletion of one nucleotide and insertion of two nucleotides, causing a translational frameshift with a predicted alternate stop codon (p.D24635Lfs*13). This exon is located in the M-band region of the N2-B isoform of the titin protein and is constitutively expressed in TTN transcripts (percent spliced in or PSI 100%). This variant was reported in individual(s) with features consistent with dilated cardiomyopathy (Ambry internal data). This variant is considered to be rare based on population cohorts in the Genome Aggregation Database (gnomAD). This variant is expected to result in loss of function by premature protein truncation or nonsense-mediated mRNA decay. While truncating variants in TTN are present in 1-3% of the general population, truncating variants in the M-band have been reported in association with autosomal recessive titinopathies, primarily presenting with skeletal myopathy phenotypes (Ceyhan-Birsoy O et al. Neurology. 2013 Oct 1;81(14):1205-14; De Cid R et al. Neurology. 2015;85(24):2126-35). Truncating variants in coding exon 185 of the M-band of the N2-B isoform have also been specifically associated with autosomal dominant dilated cardiomyopathy (Vatta M et al. Circ GenomPrecis Med. 2025 Feb:e004982). More generally, TTN truncating variants encoded in constitutive exons (PSI >90%) have been found to be significantly associated with dilated cardiomyopathy (DCM) regardless of their position, although truncating variants in the A-band are the most common cause of DCM (Herman DS et al. N. Engl. J. Med., 2012 Feb;366:619-28; Roberts AM et al. Sci Transl Med, 2015 Jan;7:270ra6; Schafer S et al. Nat. Genet., 2017 01;49:46-53; Akhtar MM et al. Circ Heart Fail, 2020 Oct;13:e006832; Massier M et al. Clin Genet, 2025 Jan). Based on the majority of available evidence to date, this variant is likely to be pathogenic.

Labcorp Genetics (formerly Invitae), Labcorp
Classification: Likely pathogenic for Dilated cardiomyopathy 1G; Autosomal recessive limb-girdle muscular dystrophy type 2J. Last evaluated: 2025-10-07. Review status: criteria provided, single submitter. Criteria: Invitae Variant Classification Sherloc (09022015). Collection method: clinical testing. Allele origin: germline.
Comment: This sequence change creates a premature translational stop signal (p.Asp33700Leufs*13) in the TTN gene. While this is not anticipated to result in nonsense mediated decay, it is expected to create a truncated TTN protein. This variant is not present in population databases (gnomAD no frequency). This premature translational stop signal has been observed in individual(s) with dilated cardiomyopathy (DCM) (internal data). ClinVar contains an entry for this variant (Variation ID: 223390). This variant is located in the M band of TTN (PMID: 25589632). Truncating variants in this region have been previously reported in individuals affected with autosomal dominant or autosomal recessive myopathy and muscular dystrophy (PMID: 18948003, 23975875, 24395473). Truncating variants in this region have also been identified in individuals affected with autosomal dominant dilated cardiomyopathy and/or cardio-related conditions (PMID: 27869827, 32964742, internal data). In summary, the currently available evidence indicates that the variant is pathogenic, but additional data are needed to prove that conclusively. Therefore, this variant has been classified as Likely Pathogenic.

Victorian Clinical Genetics Services, Murdoch Childrens Research Institute
Classification: Likely pathogenic for Dilated cardiomyopathy 1G. Last evaluated: 2022-03-31. Review status: criteria provided, single submitter. Criteria: ACMG Guidelines, 2015. Collection method: clinical testing. Allele origin: germline. Inheritance: Autosomal dominant inheritance.
Comment: Based on the classification scheme VCGS_Germline_v1.3.4, this variant is classified as likely pathogenic. Following criteria are met: 0102 - Loss of function is known mechanism of disease in this gene. In addition, dominant-negative is also a suggested mechanism (PMID: 25589632). (I) 0108 - This gene is associated with both recessive and dominant disease (OMIM). (I) 0112 - The condition associated with this gene has incomplete penetrance. Variants in this gene that result in a premature truncating codon (PTC) are known to have reduced penetrance in DCM (PMID: 25589632). (I) 0201 - Variant is predicted to cause nonsense-mediated decay (NMD) and loss of protein (premature termination codon is located at least 54 nucleotides upstream of the final exon-exon junction). (SP) 0251 - This variant is heterozygous. (I) 0301 - Variant is absent from gnomAD (both v2 and v3). (SP) 0600 - Variant is located in the annotated C-terminal M-band and the exon has a PSI score of 100 (PMID: 25589632). (I) 0703 - Other NMD-predicted variants comparable to the one identified in this case have moderate previous evidence for pathogenicity (ClinVar). (SP) 0802 - This variant has moderate previous evidence of pathogenicity in unrelated individuals. This variant has been reported as likely pathogenic and as pathogenic, and has been observed in at least five unrelated individuals with left ventricular non-compaction cardiomyopathy, inherited cardiomyopathy, dilated cardiomyopathy or AV block and bradycardia with some evidence of low penetrance (ClinVar, personal communication). (SP) 0905 - No published segregation evidence has been identified for this variant. (I) 1007 - No published functional evidence has been identified for this variant. (I) 1208 - Inheritance information for this variant is not currently available in this individual. (I) Legend: (SP) - Supporting pathogenic, (I) - Information, (SB) - Supporting benign

GeneDx
Classification: Pathogenic. Last evaluated: 2014-07-30. Review status: criteria provided, single submitter. Criteria: GeneDx Variant Classification (06012015). Collection method: clinical testing. Allele origin: germline. Affected: yes.
Comment: c.96175delinsCT: p.Asp32059LeufsX13 (D32059LfsX13) in exon 308 of the TTN gene (NM_001256850.1). The normal sequence with the bases that are deleted in braces andinserted in brackets is: TAGT{G}[CT]ATGT. Although the c.96175delGinsCT mutation in the TTN gene has not been reported to our knowledge, this mutation causes a shift in reading frame starting at codon Aspartic acid 32059, changing it to a Leucine, and creating a premature stop codon at position 13 of the new reading frame, denoted p.Asp32059LeufsX13. This mutation is expected to result in either an abnormal, truncated protein product or loss of protein from this allele through nonsense-mediated mRNA decay. Other truncating TTN variants have been reported in approximately 3% of control alleles (Herman D et al., 2012). However, c.96175delGinsCT is located in the A-band region of titin, where the majority of truncating mutations associated with DCM have been reported (Herman D et al., 2012). In summary, c.96175delGinsCT in the TTN gene is interpreted as a disease-causing mutation. The variant is found in DCM,DCM-CRDM panel(s).

Literature cited by the submitters: PubMed 25589632 (cited by 3 submitters); PubMed 18948003 (cited by Labcorp Genetics (formerly Invitae), Labcorp); PubMed 23975875 (cited by Labcorp Genetics (formerly Invitae), Labcorp); PubMed 24395473 (cited by Labcorp Genetics (formerly Invitae), Labcorp); PubMed 27869827 (cited by Labcorp Genetics (formerly Invitae), Labcorp); PubMed 32964742 (cited by Labcorp Genetics (formerly Invitae), Labcorp).

NM_001267550.2(TTN):c.101098delinsCT (p.Asp33700fs)

Genes: TTN-AS1 (TTN antisense RNA 1; plus strand), TTN (titin; minus strand). Cytogenetic location: 2q31.2.
Variant type: Indel.
Coding change: c.101098delinsCT on transcript NM_001267550.2 (MANE Select); coding-DNA position 101098, G replaced by CT.
Protein change: p.Asp33700fs; shifts the reading frame from aspartic acid 33700.
Molecular consequence: frameshift variant.
Genome position (GRCh38, 1-based): chr2:178,535,517, C replaced by AG on the plus strand (G replaced by CT on the coding strand, the reverse complement: TTN is on the minus strand). VCF-style: chr2-178535517-C-AG. GRCh37 (hg19) VCF-style: chr2-179400244-C-AG.
Other names: c.101098delGinsCT (NM_001267550.1); c.73903delinsCT, p.Asp24635fs (NM_003319.4); c.93394delinsCT, p.Asp31132fs (NM_133378.4); c.74278delinsCT, p.Asp24760fs (NM_133432.3); c.74479delinsCT, p.Asp24827fs (NM_133437.4); c.73903delGinsCT (NM_003319.4); short protein forms D24635fs, D24827fs, D31132fs, D24760fs, D33700fs.
Identifiers: ClinVar variation 202498 (VCV000202498.11), dbSNP rs794729367, ClinGen allele CA309461.